The following is an entry in ClinVar:

ClinVar aggregate classification (germline): Uncertain significance (1 of 4 stars; one submission).

gnomAD v4.1: 1 of 1,613,058 alleles (0.000062%); highest among the groups gnomAD compares: Non-Finnish European, 0.000085%; no homozygotes.

Submission:

Labcorp Genetics (formerly Invitae), Labcorp
Classification: Uncertain significance. Last evaluated: 2022-03-13. Review status: criteria provided, single submitter. Criteria: Invitae Variant Classification Sherloc (09022015). Collection method: clinical testing. Allele origin: germline.
Comment: In summary, the available evidence is currently insufficient to determine the role of this variant in disease. Therefore, it has been classified as a Variant of Uncertain Significance. Algorithms developed to predict the effect of sequence changes on RNA splicing suggest that this variant may disrupt the consensus splice site. This variant has not been reported in the literature in individuals affected with NBAS-related conditions. This variant is not present in population databases (gnomAD no frequency). This sequence change falls in intron 23 of the NBAS gene. It does not directly change the encoded amino acid sequence of the NBAS protein.

NM_015909.4(NBAS):c.2578-7A>G

Gene: NBAS (NBAS subunit of NRZ tethering complex; minus strand). Cytogenetic location: 2p24.3.
Variant type: single nucleotide variant.
Coding change: c.2578-7A>G on transcript NM_015909.4 (MANE Select); 7 bases into the intron before coding-DNA position 2578, A replaced by G.
Molecular consequence: intron variant.
Genome position (GRCh38, 1-based): chr2:15,417,719, T>C on the plus strand (A>G on the coding strand, the complement: NBAS is on the minus strand). VCF-style: chr2-15417719-T-C. GRCh37 (hg19) VCF-style: chr2-15557843-T-C.
Identifiers: ClinVar variation 2110614 (VCV002110614.4), dbSNP rs1264573539, ClinGen allele CA759064801.
Genomic context (GRCh38, chr2:15,417,719, plus strand): 5'-ACCAGGAATATTCCGCTCCATCCCAAGTCGAATAAGTGACAATGCACAGTCCACCTAAAA[T>C]TGAAAAGCAACAATAAGTTCCTGAGTATTATATATTTCTCATCTATTCTAAAGTAAAAGT-3'